The following is an entry in ClinVar:

NM_005188.4(CBL):c.195+12_195+13delinsTT

Gene: CBL (Cbl proto-oncogene; plus strand). Cytogenetic location: 11q23.3.
Variant type: Indel.
Coding change: c.195+12_195+13delinsTT on transcript NM_005188.4 (MANE Select); bases 12 to 13 of the intron after coding-DNA position 195, GC replaced by TT.
Molecular consequence: intron variant.
Genome position (GRCh38, 1-based): chr11:119,206,624-119,206,625, GC replaced by TT. VCF-style: chr11-119206624-GC-TT. GRCh37 (hg19) VCF-style: chr11-119077334-GC-TT.
Identifiers: ClinVar variation 981115 (VCV000981115.12), dbSNP rs1949271281, ClinGen allele CA1139662385.

ClinVar aggregate classification (germline): Likely benign. Review status: criteria provided, multiple submitters, no conflicts (2 of 4 stars). 2 submissions from 2 submitters: Likely benign (2). Last evaluated 2026-01-10.

Conditions:
RASopathy. Also called: rasopathies; Noonan spectrum disorder. Identifiers: Orphanet 536391, MedGen C5555857, MONDO:0021060.

Submissions (2):

Women's Health and Genetics/Laboratory Corporation of America, LabCorp
Classification: Likely benign. Last evaluated: 2026-01-10. Review status: criteria provided, single submitter. Criteria: LabCorp Variant Classification Summary - May 2015. Collection method: clinical testing. Allele origin: germline.
Comment: Variant summary: CBL c.195+12_195+13delinsTT alters a nucleotide located at a position not widely known to affect splicing. Consensus agreement among computation tools predict no significant impact on normal splicing. However, these predictions have yet to be confirmed by functional studies. The variant allele was found at a frequency of 0.00011 in 178174 control chromosomes in the gnomAD database, including 1 homozygotes. This frequency is not significantly higher than estimated for disease-causing variants in CBL, allowing no conclusion about variant significance. To our knowledge, no occurrence of c.195+12_195+13delinsTT in individuals affected with CBL-related conditions and no experimental evidence demonstrating its impact on protein function have been reported. ClinVar contains an entry for this variant (Variation ID: 981115). Based on the evidence outlined above, the variant was classified as likely benign.

Labcorp Genetics (formerly Invitae), Labcorp
Classification: Likely benign for RASopathy. Last evaluated: 2026-01-02. Review status: criteria provided, single submitter. Criteria: Invitae Variant Classification Sherloc (09022015). Collection method: clinical testing. Allele origin: germline.